The following is an entry in ClinVar:

NC_000011.9:g.(?_108206552)_(108369093_?)dup

Genes: ATM (ATM serine/threonine kinase; plus strand), C11orf65 (chromosome 11 open reading frame 65; minus strand), POGLUT3 (protein O-glucosyltransferase 3; minus strand). Cytogenetic location: 11q22.3.
Variant type: Duplication.
Identifiers: ClinVar variation 3244501 (VCV003244501.1).

ClinVar aggregate classification (germline): Uncertain significance (1 of 4 stars; one submission).

Conditions:
Ataxia-telangiectasia syndrome (AT). Also called: LOUIS-BAR SYNDROME; Cerebello-oculocutaneous telangiectasia; Immunodeficiency with ataxia telangiectasia; AT, COMPLEMENTATION GROUP C; Ataxia-telangiectasia, complementation group D; ATAXIA-TELANGIECTASIA, COMPLEMENTATION GROUP A. Identifiers: Orphanet 100, MedGen C0004135, MONDO:0008840, OMIM 208900.

Submission:

Labcorp Genetics (formerly Invitae), Labcorp
Classification: Uncertain significance for Ataxia-telangiectasia syndrome. Last evaluated: 2023-12-16. Review status: criteria provided, single submitter. Criteria: Invitae Variant Classification Sherloc (09022015). Collection method: clinical testing. Allele origin: unknown.
Comment: This variant results in a copy number gain of the genomic region encompassing exon(s) 56-63 of the ATM gene. This region includes the termination codon of the gene. This copy number gain extends beyond the assayed region for this gene and therefore may encompass additional genes. As the precise location of this event is unknown, it may be in tandem or it may be located elsewhere in the genome. This variant has not been reported in the literature in individuals affected with ATM-related conditions. Experimental studies and prediction algorithms are not available or were not evaluated, and the functional significance of this variant is currently unknown. In summary, the available evidence is currently insufficient to determine the role of this variant in disease. Therefore, it has been classified as a Variant of Uncertain Significance.